The following is an entry in ClinVar:

NM_001367624.2(ZNF469):c.765G>A (p.Pro255=)

Gene: ZNF469 (zinc finger protein 469; plus strand). Cytogenetic location: 16q24.2.
Variant type: single nucleotide variant.
Coding change: c.765G>A on transcript NM_001367624.2 (MANE Select); coding-DNA position 765, G replaced by A.
Protein change: p.Pro255=; no amino-acid change (proline 255 retained).
Molecular consequence: synonymous variant.
Genome position (GRCh38, 1-based): chr16:88,428,235, G>A. VCF-style: chr16-88428235-G-A. GRCh37 (hg19) VCF-style: chr16-88494643-G-A.
Other names: NM_001127464.1:c.765G>A; p.Pro255=.
Identifiers: ClinVar variation 1760021 (VCV001760021.6), dbSNP rs766334275, ClinGen allele CA8224626.

ClinVar aggregate classification (germline): Likely benign. Review status: criteria provided, multiple submitters, no conflicts (2 of 4 stars). 3 submissions from 3 submitters: Likely benign (3). Last evaluated 2025-10-07.

Conditions:
Cardiovascular phenotype. Identifiers: MedGen CN230736.

Allele frequency attached by ClinVar (database versions not stated): ExAC 0.00006.
gnomAD v4.1: 78 of 1,550,222 alleles (0.005%); highest among the groups gnomAD compares: Non-Finnish European, 0.0053%; no homozygotes.

Submissions (3):

Mayo Clinic Laboratories, Mayo Clinic
Classification: Likely benign. Last evaluated: 2025-10-07. Review status: criteria provided, single submitter. Criteria: ACMG Guidelines, 2015. Collection method: clinical testing. Allele origin: germline. Observed: 1 variant allele.
Comment: BS1, BP4, BP7

Labcorp Genetics (formerly Invitae), Labcorp
Classification: Likely benign. Last evaluated: 2024-06-05. Review status: criteria provided, single submitter. Criteria: Invitae Variant Classification Sherloc (09022015). Collection method: clinical testing. Allele origin: germline.

Ambry Genetics
Classification: Likely benign for Cardiovascular phenotype. Last evaluated: 2019-09-09. Review status: criteria provided, single submitter. Criteria: Ambry Variant Classification Scheme 2023. Collection method: clinical testing. Allele origin: germline.